The following is an entry in ClinVar:

NM_052874.5(STX1B):c.602TCA[1] (p.Ile202del)

Gene: STX1B (syntaxin 1B; minus strand). Cytogenetic location: 16p11.2.
Variant type: Microsatellite.
Coding change: c.602TCA[1] on transcript NM_052874.5 (MANE Select); one copy of the 3-base unit TCA starting at c.602; the reference has two copies in a row; one copy, 3 bases deleted.
Protein change: p.Ile202del; deletes isoleucine 202.
Molecular consequence: inframe deletion.
Genome position (GRCh38, 1-based): chr16:30,993,415-30,993,417, TGA deleted on the plus strand (TCA on the coding strand, the reverse complement: STX1B is on the minus strand); deleting any 3 consecutive bases within chr16:30,993,415-30,993,421 gives the same sequence; the position shown is the placement nearest the transcript's 3' end. VCF-style (leftmost placement, unchanged base first): chr16-30993414-TTGA-T. GRCh37 (hg19) VCF-style: chr16-31004735-TTGA-T.
Other names: short protein forms I202del.
Identifiers: ClinVar variation 1376158 (VCV001376158.8), dbSNP rs2143661890, ClinGen allele CA2580613469.

ClinVar aggregate classification (germline): Uncertain significance (1 of 4 stars; one submission).

Conditions:
Generalized epilepsy with febrile seizures plus, type 9 (GEFSP9). Also called: GEFS+, TYPE 9. Identifiers: Orphanet 36387, MedGen C4015395, MONDO:0014517, OMIM 616172.

Submission:

Labcorp Genetics (formerly Invitae), Labcorp
Classification: Uncertain significance for Generalized epilepsy with febrile seizures plus, type 9. Last evaluated: 2021-02-28. Review status: criteria provided, single submitter. Criteria: Invitae Variant Classification Sherloc (09022015). Collection method: clinical testing. Allele origin: germline.
Comment: This variant, c.605_607del, results in the deletion of 1 amino acid(s) of the STX1B protein (p.Ile202del), but otherwise preserves the integrity of the reading frame. This variant is not present in population databases (ExAC no frequency). This variant has not been reported in the literature in individuals with STX1B-related conditions. Experimental studies and prediction algorithms are not available or were not evaluated, and the functional significance of this variant is currently unknown. In summary, the available evidence is currently insufficient to determine the role of this variant in disease. Therefore, it has been classified as a Variant of Uncertain Significance.